The following is an entry in ClinVar:

ClinVar aggregate classification (germline): Uncertain significance (1 of 4 stars; one submission).

Conditions:
Werner syndrome (WRN). Identifiers: Orphanet 902, MedGen C0043119, MONDO:0010196, OMIM 277700.

Allele frequency attached by ClinVar (database versions not stated): ExAC 0.00001; gnomAD exomes 0.00001; gnomAD 0.00002; TOPMed 0.00002.
gnomAD v4.1: 35 of 1,613,760 alleles (0.0022%); highest among the groups gnomAD compares: African/African-American, 0.0027%; no homozygotes.

Submission:

Labcorp Genetics (formerly Invitae), Labcorp
Classification: Uncertain significance for Werner syndrome. Last evaluated: 2024-07-04. Review status: criteria provided, single submitter. Criteria: Invitae Variant Classification Sherloc (09022015). Collection method: clinical testing. Allele origin: germline.
Comment: This sequence change replaces proline, which is neutral and non-polar, with leucine, which is neutral and non-polar, at codon 1408 of the WRN protein (p.Pro1408Leu). This variant is present in population databases (rs764468799, gnomAD 0.003%). This variant has not been reported in the literature in individuals affected with WRN-related conditions. ClinVar contains an entry for this variant (Variation ID: 957603). An algorithm developed to predict the effect of missense changes on protein structure and function (PolyPhen-2) suggests that this variant is likely to be disruptive. In summary, the available evidence is currently insufficient to determine the role of this variant in disease. Therefore, it has been classified as a Variant of Uncertain Significance.

NM_000553.6(WRN):c.4223C>T (p.Pro1408Leu)

Genes: WRN (WRN RecQ like helicase; plus strand), LOC126860342 (MED14-independent group 3 enhancer GRCh37_chr8:31029565-31030764; plus strand). Cytogenetic location: 8p12.
Variant type: single nucleotide variant.
Coding change: c.4223C>T on transcript NM_000553.6 (MANE Select); coding-DNA position 4223, C replaced by T.
Protein change: p.Pro1408Leu; replaces proline 1408 with leucine.
Molecular consequence: missense variant.
Genome position (GRCh38, 1-based): chr8:31,173,026, C>T. VCF-style: chr8-31173026-C-T. GRCh37 (hg19) VCF-style: chr8-31030542-C-T.
Other names: short protein forms P1408L.
Identifiers: ClinVar variation 957603 (VCV000957603.6), dbSNP rs764468799, ClinGen allele CA4705300.